The following is an entry in ClinVar:

ClinVar aggregate classification (germline): Uncertain significance. Review status: criteria provided, multiple submitters, no conflicts (2 of 4 stars). 2 submissions from 2 submitters: Uncertain significance (2). Last evaluated 2025-05-04.

Conditions:
ROBO1-related disorder. Also called: ROBO1-related condition.
Inborn genetic diseases. Identifiers: MedGen C0950123, MeSH D030342.

Allele frequency attached by ClinVar (database versions not stated): ESP Exome Variant Server 0.00024.
gnomAD v4.1: 51 of 1,613,748 alleles (0.0032%); highest among the groups gnomAD compares: Non-Finnish European, 0.0039%; no homozygotes.

Submissions (2):

PreventionGenetics, part of Exact Sciences
Classification: Uncertain significance for ROBO1-related condition. Last evaluated: 2025-05-04. Review status: criteria provided, single submitter. Criteria: ACMG Guidelines, 2015. Collection method: clinical testing. Allele origin: germline.
Comment: The ROBO1 c.4652G>T variant is predicted to result in the amino acid substitution p.Arg1551Ile. To our knowledge, this variant has not been reported in the literature. This variant is reported in 0.0094% of alleles in individuals of European (Non-Finnish) descent in gnomAD. At this time, the clinical significance of this variant is uncertain due to the absence of conclusive functional and genetic evidence.

Ambry Genetics
Classification: Uncertain significance for Inborn genetic diseases. Last evaluated: 2023-12-16. Review status: criteria provided, single submitter. Criteria: Ambry Variant Classification Scheme 2023. Collection method: clinical testing. Allele origin: germline.

NM_002941.4(ROBO1):c.4652G>T (p.Arg1551Ile)

Gene: ROBO1 (roundabout guidance receptor 1; minus strand). Cytogenetic location: 3p12.3.
Variant type: single nucleotide variant.
Coding change: c.4652G>T on transcript NM_002941.4 (MANE Select); coding-DNA position 4652, G replaced by T.
Protein change: p.Arg1551Ile; replaces arginine 1551 with isoleucine.
Molecular consequence: missense variant.
Genome position (GRCh38, 1-based): chr3:78,606,825, C>A on the plus strand (G>T on the coding strand, the complement: ROBO1 is on the minus strand). VCF-style: chr3-78606825-C-A. GRCh37 (hg19) VCF-style: chr3-78655975-C-A.
Other names: c.4517G>T, p.Arg1506Ile (NM_133631.4, NM_001145844.1); c.4352G>T, p.Arg1451Ile (NM_001145845.2); short protein forms R1451I, R1506I, R1551I.
Identifiers: ClinVar variation 3155593 (VCV003155593.2), dbSNP rs373644190, ClinGen allele CA2498003.